The following is an entry in ClinVar:

NM_001429.4(EP300):c.3884C>G (p.Ser1295Cys)

Gene: EP300 (EP300 lysine acetyltransferase; plus strand). Cytogenetic location: 22q13.2.
Variant type: single nucleotide variant.
Coding change: c.3884C>G on transcript NM_001429.4 (MANE Select); coding-DNA position 3884, C replaced by G.
Protein change: p.Ser1295Cys; replaces serine 1295 with cysteine.
Molecular consequence: missense variant.
Genome position (GRCh38, 1-based): chr22:41,168,458, C>G. VCF-style: chr22-41168458-C-G. GRCh37 (hg19) VCF-style: chr22-41564462-C-G.
Other names: c.3806C>G, p.Ser1269Cys (NM_001362843.2); c.3884C>G (NM_001429.3); short protein forms S1269C, S1295C.
Identifiers: ClinVar variation 1701635 (VCV001701635.2), dbSNP rs772897576, ClinGen allele CA10253289.
Genomic context (GRCh38, chr22:41,168,458, plus strand): 5'-CTAACAACAGTAAATTTGCACCTCAGTAACTTTTAACTTTTACATTCCTAGGGTTGCCAT[C>G]TACCAGACTTGGCACCTTTCTAGAGAATCGTGTGAATGACTTTCTGAGGCGACAGAATCA-3'
Protein context (NP_001420.2, residues 1285-1305): ENKFSAKRLP[Ser1295Cys]TRLGTFLENR

ClinVar aggregate classification (germline): Uncertain significance. Review status: criteria provided, multiple submitters, no conflicts (2 of 4 stars). 2 submissions from 2 submitters: Uncertain significance (2). Last evaluated 2025-05-09.

Conditions:
Rubinstein-Taybi syndrome due to EP300 haploinsufficiency. Also called: RUBINSTEIN-TAYBI SYNDROME 2; EP300-Related Rubinstein-Taybi Syndrome. Identifiers: Orphanet 353284, Orphanet 783, MedGen C3150941, MONDO:0013364, OMIM 613684.
EP300-related disorder. Also called: EP300-related disorders; EP300-related condition.

Allele frequency attached by ClinVar (database versions not stated): TOPMed below 0.00001; ExAC 0.00001; gnomAD exomes 0.00001.
gnomAD v4.1: 3 of 1,614,212 alleles (0.00019%); highest among the groups gnomAD compares: African/African-American, 0.0013%; no homozygotes.

Submissions (2):

PreventionGenetics, part of Exact Sciences
Classification: Uncertain significance for EP300-related condition. Last evaluated: 2025-05-09. Review status: criteria provided, single submitter. Criteria: ACMG Guidelines, 2015. Collection method: clinical testing. Allele origin: germline.
Comment: The EP300 c.3884C>G variant is predicted to result in the amino acid substitution p.Ser1295Cys. To our knowledge, this variant has not been reported in the literature. This variant is reported in 0.0062% of alleles in individuals of African descent in gnomAD. At this time, the clinical significance of this variant is uncertain due to the absence of conclusive functional and genetic evidence.

New York Genome Center
Classification: Uncertain significance for Rubinstein-Taybi syndrome due to EP300 haploinsufficiency. Last evaluated: 2021-10-01. Review status: criteria provided, single submitter. Criteria: NYGC Assertion Criteria 2020. Collection method: clinical testing. Allele origin: germline. Observed: 1 heterozygote. Study: CSER-NYCKidSeq.